The following is an entry in ClinVar:

ClinVar aggregate classification (germline): Uncertain significance (1 of 4 stars; one submission).

gnomAD v4.1: 4 of 1,613,974 alleles (0.00025%); highest among the groups gnomAD compares: African/African-American, 0.0027%; no homozygotes.

Submission:

Labcorp Genetics (formerly Invitae), Labcorp
Classification: Uncertain significance. Last evaluated: 2025-09-27. Review status: criteria provided, single submitter. Criteria: Invitae Variant Classification Sherloc (09022015). Collection method: clinical testing. Allele origin: germline.
Comment: This sequence change replaces valine, which is neutral and non-polar, with phenylalanine, which is neutral and non-polar, at codon 1918 of the CACNA1D protein (p.Val1918Phe). This variant is present in population databases (rs142184099, gnomAD 0.007%). This variant has not been reported in the literature in individuals affected with CACNA1D-related conditions. An algorithm developed to predict the effect of missense changes on protein structure and function (PolyPhen-2) suggests that this variant is likely to be tolerated. In summary, the available evidence is currently insufficient to determine the role of this variant in disease. Therefore, it has been classified as a Variant of Uncertain Significance.

NM_001128840.3(CACNA1D):c.5692G>T (p.Val1898Phe)

Gene: CACNA1D (calcium voltage-gated channel subunit alpha1 D; plus strand). Cytogenetic location: 3p21.1.
Variant type: single nucleotide variant.
Coding change: c.5692G>T on transcript NM_001128840.3 (MANE Select); coding-DNA position 5692, G replaced by T.
Protein change: p.Val1898Phe; replaces valine 1898 with phenylalanine.
Molecular consequence: missense variant.
Genome position (GRCh38, 1-based): chr3:53,805,089, G>T. VCF-style: chr3-53805089-G-T. GRCh37 (hg19) VCF-style: chr3-53839116-G-T.
Other names: c.5752G>T, p.Val1918Phe (NM_000720.4); c.5620G>T, p.Val1874Phe (NM_001128839.3); short protein forms V1874F, V1898F, V1918F.
Identifiers: ClinVar variation 4805720 (VCV004805720.1).
Genomic context (GRCh38, chr3:53,805,089, plus strand): 5'-TCTGAGAGGCCCCGAGGCTACCATCATCCCCAAGGATTCTTGGAGGACGATGACTCGCCC[G>T]TTTGCTATGATTCACGGAGATCTCCAAGGAGACGCCTACTACCTCCCACCCCAGCATGTG-3'
Protein context (NP_001122312.1, residues 1888-1908): QGFLEDDDSP[Val1898Phe]CYDSRRSPRR